The following is an entry in ClinVar:

ClinVar aggregate classification (germline): Conflicting classifications of pathogenicity. Review status: criteria provided, conflicting classifications (1 of 4 stars). 2 submissions from 2 submitters: Uncertain significance (1); Likely benign (1). Last evaluated 2024-11-15.

Conditions:
Inborn genetic diseases. Identifiers: MedGen C0950123, MeSH D030342.

Allele frequency attached by ClinVar (database versions not stated): ExAC 0.00002; TOPMed 0.00003; gnomAD exomes 0.00006; gnomAD 0.00008.

Submissions (2):

Ambry Genetics
Classification: Uncertain significance for Inborn genetic diseases. Last evaluated: 2024-11-15. Review status: criteria provided, single submitter. Criteria: Ambry Variant Classification Scheme 2023. Collection method: clinical testing. Allele origin: germline.

CeGaT Center for Human Genetics Tuebingen
Classification: Likely benign. Last evaluated: 2022-08-01. Review status: criteria provided, single submitter. Criteria: CeGaT Center For Human Genetics Tuebingen Variant Classification Criteria Version 2. Collection method: clinical testing. Allele origin: germline. Affected: yes. Observed: 1 variant allele.
Comment: P4HTM: BP4

NM_177939.3(P4HTM):c.1073+38A>G

Gene: P4HTM (prolyl 4-hydroxylase, transmembrane; plus strand). Cytogenetic location: 3p21.31.
Variant type: single nucleotide variant.
Coding change: c.1073+38A>G on transcript NM_177939.3 (MANE Select); 38 bases into the intron after coding-DNA position 1073, A replaced by G.
Molecular consequence: intron variant. On other transcripts: missense variant (1).
Genome position (GRCh38, 1-based): chr3:49,005,084, A>G. VCF-style: chr3-49005084-A-G. GRCh37 (hg19) VCF-style: chr3-49042517-A-G.
Other names: c.1111A>G, p.Arg371Gly (NM_177938.2); short protein forms R371G.
Identifiers: ClinVar variation 2653813 (VCV002653813.25), dbSNP rs770116680, ClinGen allele CA2388469.